The following is an entry in ClinVar:

NM_130384.3(ATRIP):c.22G>T (p.Gly8Cys)

Genes: ATRIP (ATR interacting protein; plus strand), ATRIP-TREX1 (ATRIP-TREX1 readthrough; plus strand), LOC129936703 (ATAC-STARR-seq lymphoblastoid silent region 14331; plus strand). Cytogenetic location: 3p21.31.
Variant type: single nucleotide variant.
Coding change: c.22G>T on transcript NM_130384.3 (MANE Select); coding-DNA position 22, G replaced by T.
Protein change: p.Gly8Cys; replaces glycine 8 with cysteine.
Molecular consequence: missense variant. On other transcripts: non-coding transcript variant (1), intron variant (1).
Genome position (GRCh38, 1-based): chr3:48,446,867, G>T. VCF-style: chr3-48446867-G-T. GRCh37 (hg19) VCF-style: chr3-48488271-G-T.
Other names: c.22G>T, p.Gly8Cys (NM_032166.4); c.-218+68G>T (NM_001271022.2); short protein forms G8C.
Identifiers: ClinVar variation 5032467 (VCV005032467.1).

ClinVar aggregate classification (germline): Uncertain significance (1 of 4 stars; one submission).

Submission:

Ambry Genetics
Classification: Uncertain significance. Last evaluated: 2026-09-01. Review status: criteria provided, single submitter. Criteria: Ambry Variant Classification Scheme 2023. Collection method: clinical testing. Allele origin: germline.
Comment: The p.G8C variant (also known as c.22G>T), located in coding exon 1 of the ATRIP gene, results from a G to T substitution at nucleotide position 22. The glycine at codon 8 is replaced by cysteine, an amino acid with highly dissimilar properties. This amino acid position is well conserved in available vertebrate species. In addition, this alteration is predicted to be tolerated by in silico analysis. The evidence for this gene-disease relationship is limited; therefore, the clinical significance of this variant is unclear.